The following is an entry in ClinVar:

NM_001353108.3(CEP63):c.1632A>C (p.Pro544=)

Gene: CEP63 (centrosomal protein 63; plus strand). Cytogenetic location: 3q22.2.
Variant type: single nucleotide variant.
Coding change: c.1632A>C on transcript NM_001353108.3 (MANE Select); coding-DNA position 1632, A replaced by C.
Protein change: p.Pro544=; no amino-acid change (proline 544 retained).
Molecular consequence: synonymous variant. On other transcripts: intron variant (17).
Genome position (GRCh38, 1-based): chr3:134,558,306, A>C. VCF-style: chr3-134558306-A-C. GRCh37 (hg19) VCF-style: chr3-134277148-A-C.
Other names: c.1632A>C (NM_025180.3); c.1494A>C, p.Pro498= (NM_001353109.1); c.1632A>C, p.Pro544= (NM_025180.5); c.1467+6294A>C (NM_001353113.1, NM_001353117.2); c.1329+6294A>C (NM_001042384.2, NM_001353124.2, NM_001353123.2); c.1330-3071A>C (NM_001353122.1, NM_001042383.2, NM_001353121.2 and 2 more transcripts); c.1468-3071A>C (NM_001353110.1, NM_001353112.2, NM_001353111.2 and 1 more transcripts); c.1357-3071A>C (NM_001353118.1); and 2 more.
Identifiers: ClinVar variation 2180329 (VCV002180329.6), dbSNP rs368470011, ClinGen allele CA2628730.

ClinVar aggregate classification (germline): Likely benign. Review status: criteria provided, single submitter (1 of 4 stars). 2 submissions from 2 submitters: Likely benign (1). 1 of the submissions does not count toward it. Last evaluated 2025-11-02.

Conditions:
CEP63-related disorder. Also called: CEP63-related condition.

Allele frequency attached by ClinVar (database versions not stated): gnomAD exomes 0.00002; ExAC 0.00010; gnomAD 0.00035; 1000 Genomes Project 0.00040; TOPMed 0.00046.
gnomAD v4.1: 93 of 1,613,852 alleles (0.0058%); highest among the groups gnomAD compares: African/African-American, 0.11%; no homozygotes.

Submissions (2):

Labcorp Genetics (formerly Invitae), Labcorp
Classification: Likely benign. Last evaluated: 2025-11-02. Review status: criteria provided, single submitter. Criteria: Invitae Variant Classification Sherloc (09022015). Collection method: clinical testing. Allele origin: germline.

PreventionGenetics, part of Exact Sciences
Classification: Likely benign for CEP63-related condition. Last evaluated: 2019-04-16. Review status: no assertion criteria provided. Collection method: clinical testing. Allele origin: germline. Not counted in ClinVar's aggregate classification.
Comment: This variant is classified as likely benign based on ACMG/AMP sequence variant interpretation guidelines (Richards et al. 2015 PMID: 25741868, with internal and published modifications).